The following is an entry in ClinVar:

NM_020812.4(DOCK6):c.4205C>T (p.Thr1402Met)

Genes: DOCK6 (dedicator of cytokinesis 6; minus strand), DOCK6-AS1 (DOCK6 antisense RNA 1; plus strand). Cytogenetic location: 19p13.2.
Variant type: single nucleotide variant.
Coding change: c.4205C>T on transcript NM_020812.4 (MANE Select); coding-DNA position 4205, C replaced by T.
Protein change: p.Thr1402Met; replaces threonine 1402 with methionine.
Molecular consequence: missense variant.
Genome position (GRCh38, 1-based): chr19:11,214,408, G>A on the plus strand (C>T on the coding strand, the complement: DOCK6 is on the minus strand). VCF-style: chr19-11214408-G-A. GRCh37 (hg19) VCF-style: chr19-11325084-G-A.
Other names: c.4310C>T, p.Thr1437Met (NM_001367830.1); short protein forms T1402M, T1437M.
Identifiers: ClinVar variation 377033 (VCV000377033.38), dbSNP rs147554257, ClinGen allele CA9206929.
Genomic context (GRCh38, chr19:11,214,408, plus strand): 5'-TACAGCACAACCTTCAGCACTGCCCCCAAGACGCTCTCCCGGGCTTCTGAAAGCATCACC[G>A]TCTGGAGGGAAGGGGGTCAGAAATCCAGGTGTTAGAGCCTAGGGTGGTTATGGGGAAAGG-3'
Protein context (NP_065863.2, residues 1392-1412): VLDTLEIIVQ[Thr1402Met]VMLSEARESV

ClinVar aggregate classification (germline): Benign/Likely benign. Review status: criteria provided, multiple submitters, no conflicts (2 of 4 stars). 8 submissions from 8 submitters: Benign (2); Likely benign (3). 3 of the submissions do not count toward it. Last evaluated 2026-01-21.

Conditions:
DOCK6-related disorder. Also called: DOCK6-related condition.

Allele frequency attached by ClinVar (database versions not stated): gnomAD exomes 0.00037 and 0.00100; ExAC 0.00115; gnomAD 0.00382 and 0.00411; ESP Exome Variant Server 0.00384; 1000 Genomes Project 0.00419; TOPMed 0.00436; 1000 Genomes Project 30x 0.00453.
gnomAD v4.1: 1,151 of 1,613,746 alleles (0.071%); highest among the groups gnomAD compares: African/African-American, 1.3%; 9 homozygotes.

Submissions (8):

Labcorp Genetics (formerly Invitae), Labcorp
Classification: Benign. Last evaluated: 2026-01-21. Review status: criteria provided, single submitter. Criteria: Invitae Variant Classification Sherloc (09022015). Collection method: clinical testing. Allele origin: germline.

CeGaT Center for Human Genetics Tuebingen
Classification: Benign. Last evaluated: 2024-02-01. Review status: criteria provided, single submitter. Criteria: CeGaT Center For Human Genetics Tuebingen Variant Classification Criteria Version 2. Collection method: clinical testing. Allele origin: germline. Affected: yes. Observed: 1 variant allele.
Comment: DOCK6: BS1, BS2

GeneDx
Classification: Likely benign. Last evaluated: 2020-10-13. Review status: criteria provided, single submitter. Criteria: GeneDx Variant Classification Process June 2021. Collection method: clinical testing. Allele origin: germline. Affected: yes.

Center for Pediatric Genomic Medicine, Children's Mercy Hospital and Clinics
Classification: Likely benign. Last evaluated: 2017-01-05. Review status: criteria provided, single submitter. Criteria: ACMG Guidelines, 2015. Collection method: clinical testing. Allele origin: germline.
ClinVar note: Converted during submission from Likely Benign to Likely benign.

Breakthrough Genomics
Classification: Likely benign. Review status: criteria provided, single submitter. Criteria: ACMG Guidelines, 2015. Collection method: not provided. Allele origin: germline. Inheritance: Autosomal recessive inheritance. Affected: yes.

PreventionGenetics, part of Exact Sciences
Classification: Benign for DOCK6-related condition. Last evaluated: 2022-03-11. Review status: no assertion criteria provided. Collection method: clinical testing. Allele origin: germline. Not counted in ClinVar's aggregate classification.
Comment: This variant is classified as benign based on ACMG/AMP sequence variant interpretation guidelines (Richards et al. 2015 PMID: 25741868, with internal and published modifications).

Clinical Genetics DNA and cytogenetics Diagnostics Lab, Erasmus MC, Erasmus Medical Center
Classification: Benign. Review status: no assertion criteria provided. Collection method: clinical testing. Allele origin: germline. Affected: yes. Study: VKGL Data-share Consensus. Not counted in ClinVar's aggregate classification.

Laboratory of Diagnostic Genome Analysis, Leiden University Medical Center (LUMC)
Classification: Likely benign. Review status: no assertion criteria provided. Collection method: clinical testing. Allele origin: germline. Affected: yes. Study: VKGL Data-share Consensus. Not counted in ClinVar's aggregate classification.